The following is an entry in ClinVar:

ClinVar aggregate classification (germline): Uncertain significance. Review status: criteria provided, multiple submitters, no conflicts (2 of 4 stars). 2 submissions from 2 submitters: Uncertain significance (2). Last evaluated 2025-06-08.

Allele frequency attached by ClinVar (database versions not stated): gnomAD exomes 0.00001; TOPMed 0.00001; ExAC 0.00002.

Submissions (2):

Labcorp Genetics (formerly Invitae), Labcorp
Classification: Uncertain significance. Last evaluated: 2025-06-08. Review status: criteria provided, single submitter. Criteria: Invitae Variant Classification Sherloc (09022015). Collection method: clinical testing. Allele origin: germline.
Comment: This sequence change replaces alanine, which is neutral and non-polar, with valine, which is neutral and non-polar, at codon 742 of the RASA2 protein (p.Ala742Val). This variant is present in population databases (rs774848188, gnomAD 0.002%). This variant has not been reported in the literature in individuals affected with RASA2-related conditions. ClinVar contains an entry for this variant (Variation ID: 1321408). An algorithm developed to predict the effect of missense changes on protein structure and function (PolyPhen-2) suggests that this variant is likely to be tolerated. In summary, the available evidence is currently insufficient to determine the role of this variant in disease. Therefore, it has been classified as a Variant of Uncertain Significance.

Women's Health and Genetics/Laboratory Corporation of America, LabCorp
Classification: Uncertain significance. Last evaluated: 2021-10-02. Review status: criteria provided, single submitter. Criteria: LabCorp Variant Classification Summary - May 2015. Collection method: clinical testing. Allele origin: germline.

NM_006506.5(RASA2):c.2225C>T (p.Ala742Val)

Gene: RASA2 (RAS p21 protein activator 2; plus strand). Cytogenetic location: 3q23.
Variant type: single nucleotide variant.
Coding change: c.2225C>T on transcript NM_006506.5 (MANE Select); coding-DNA position 2225, C replaced by T.
Protein change: p.Ala742Val; replaces alanine 742 with valine.
Molecular consequence: missense variant.
Genome position (GRCh38, 1-based): chr3:141,608,697, C>T. VCF-style: chr3-141608697-C-T. GRCh37 (hg19) VCF-style: chr3-141327539-C-T.
Other names: c.2228C>T, p.Ala743Val (NM_001303245.3); c.2237C>T, p.Ala746Val (NM_001303246.3); short protein forms A742V, A743V, A746V.
Identifiers: ClinVar variation 1321408 (VCV001321408.2), dbSNP rs774848188, ClinGen allele CA2645765.